The following is an entry in ClinVar:

ClinVar aggregate classification (germline): Conflicting classifications of pathogenicity. Review status: criteria provided, conflicting classifications (1 of 4 stars). 3 submissions from 3 submitters: Uncertain significance (2); Benign (1). Last evaluated 2025-11-13.

Conditions:
Alstrom syndrome (ALMS). Identifiers: Orphanet 64, MedGen C0268425, MONDO:0008763, OMIM 203800.
Cardiovascular phenotype. Identifiers: MedGen CN230736.

Allele frequency attached by ClinVar (database versions not stated): gnomAD 0.00001; gnomAD exomes 0.00003 and 0.00009; ExAC 0.00011.
gnomAD v4.1: 47 of 1,613,722 alleles (0.0029%); highest among the groups gnomAD compares: South Asian, 0.045%; no homozygotes.

Submissions (3):

Labcorp Genetics (formerly Invitae), Labcorp
Classification: Uncertain significance for Alstrom syndrome. Last evaluated: 2025-11-13. Review status: criteria provided, single submitter. Criteria: Invitae Variant Classification Sherloc (09022015). Collection method: clinical testing. Allele origin: germline.
Comment: This sequence change replaces leucine, which is neutral and non-polar, with phenylalanine, which is neutral and non-polar, at codon 1160 of the ALMS1 protein (p.Leu1160Phe). This variant is present in population databases (rs575644902, gnomAD 0.07%). This variant has not been reported in the literature in individuals affected with ALMS1-related conditions. ClinVar contains an entry for this variant (Variation ID: 1207830). Experimental studies and prediction algorithms are not available or were not evaluated, and the functional significance of this variant is currently unknown. In summary, the available evidence is currently insufficient to determine the role of this variant in disease. Therefore, it has been classified as a Variant of Uncertain Significance.

GeneDx
Classification: Uncertain significance. Last evaluated: 2025-10-23. Review status: criteria provided, single submitter. Criteria: GeneDx Variant Classification Process June 2021. Collection method: clinical testing. Allele origin: germline. Affected: yes.
Comment: In silico analysis suggests that this missense variant does not alter protein structure/function; Has not been previously published as pathogenic or benign to our knowledge; This variant is associated with the following publications: (PMID: 27535533)

Ambry Genetics
Classification: Benign for Cardiovascular phenotype. Last evaluated: 2024-11-09. Review status: criteria provided, single submitter. Criteria: Ambry Variant Classification Scheme 2023. Collection method: clinical testing. Allele origin: germline.

NM_001378454.1(ALMS1):c.3477G>T (p.Leu1159Phe)

Gene: ALMS1 (ALMS1 centrosome and basal body associated protein; plus strand). Cytogenetic location: 2p13.1.
Variant type: single nucleotide variant.
Coding change: c.3477G>T on transcript NM_001378454.1 (MANE Select); coding-DNA position 3477, G replaced by T.
Protein change: p.Leu1159Phe; replaces leucine 1159 with phenylalanine.
Molecular consequence: missense variant.
Genome position (GRCh38, 1-based): chr2:73,450,004, G>T. VCF-style: chr2-73450004-G-T. GRCh37 (hg19) VCF-style: chr2-73677131-G-T.
Other names: c.3480G>T, p.Leu1160Phe (NM_015120.4); short protein forms L1159F, L1160F.
Identifiers: ClinVar variation 1207830 (VCV001207830.9), dbSNP rs575644902, ClinGen allele CA1713533.